The following is an entry in ClinVar:

ClinVar aggregate classification (germline): Uncertain significance (1 of 4 stars; one submission).

Conditions:
MHC class II deficiency. Also called: BLS, TYPE II; Bare lymphocyte syndrome 2. Identifiers: Orphanet 572, MedGen C5447452, MONDO:0008855.

gnomAD v4.1: 1 of 1,614,192 alleles (0.000062%); highest among the groups gnomAD compares: Non-Finnish European, 0.000085%; no homozygotes.

Submission:

Labcorp Genetics (formerly Invitae), Labcorp
Classification: Uncertain significance for MHC class II deficiency. Last evaluated: 2021-06-24. Review status: criteria provided, single submitter. Criteria: Invitae Variant Classification Sherloc (09022015). Collection method: clinical testing. Allele origin: germline.
Comment: This sequence change replaces glycine with glutamic acid at codon 325 of the CIITA protein (p.Gly325Glu). The glycine residue is weakly conserved and there is a moderate physicochemical difference between glycine and glutamic acid. This variant is not present in population databases (ExAC no frequency). This variant has not been reported in the literature in individuals with CIITA-related conditions. Algorithms developed to predict the effect of missense changes on protein structure and function (SIFT, PolyPhen-2, Align-GVGD) all suggest that this variant is likely to be tolerated, but these predictions have not been confirmed by published functional studies and their clinical significance is uncertain. In summary, the available evidence is currently insufficient to determine the role of this variant in disease. Therefore, it has been classified as a Variant of Uncertain Significance.

NM_000246.4(CIITA):c.974G>A (p.Gly325Glu)

Gene: CIITA (class II major histocompatibility complex transactivator; plus strand). Cytogenetic location: 16p13.13.
Variant type: single nucleotide variant.
Coding change: c.974G>A on transcript NM_000246.4 (MANE Select); coding-DNA position 974, G replaced by A.
Protein change: p.Gly325Glu; replaces glycine 325 with glutamic acid.
Molecular consequence: missense variant. On other transcripts: non-coding transcript variant (1).
Genome position (GRCh38, 1-based): chr16:10,904,780, G>A. VCF-style: chr16-10904780-G-A. GRCh37 (hg19) VCF-style: chr16-10998637-G-A.
Other names: c.977G>A, p.Gly326Glu (NM_001286402.1, NM_001379332.1); c.827G>A, p.Gly276Glu (NM_001286403.2, NM_001379331.1); c.830G>A, p.Gly277Glu (NM_001379330.1); c.974G>A, p.Gly325Glu (NM_001379333.1); c.905G>A, p.Gly302Glu (NM_001379334.1); short protein forms G277E, G302E, G326E, G276E, G325E.
Identifiers: ClinVar variation 1471155 (VCV001471155.8), dbSNP rs775466036, ClinGen allele CA394729503.